The following is an entry in ClinVar:

NM_001023.4(RPS20):c.-5C>T

Gene: RPS20 (ribosomal protein S20; minus strand). Cytogenetic location: 8q12.1.
Variant type: single nucleotide variant.
Coding change: c.-5C>T on transcript NM_001023.4 (MANE Select); 5 bases upstream of the start codon, C replaced by T.
Molecular consequence: 5 prime UTR variant.
Genome position (GRCh38, 1-based): chr8:56,074,388, G>A on the plus strand (C>T on the coding strand, the complement: RPS20 is on the minus strand). VCF-style: chr8-56074388-G-A. GRCh37 (hg19) VCF-style: chr8-56986947-G-A.
Other names: c.-5C>T (NM_001146227.3).
Identifiers: ClinVar variation 4579492 (VCV004579492.1).

ClinVar aggregate classification (germline): Uncertain significance (1 of 4 stars; one submission).

gnomAD v4.1: 1 of 1,560,350 alleles (0.000064%); highest among the groups gnomAD compares: Non-Finnish European, 0.000086%; no homozygotes.

Submission:

Ambry Genetics
Classification: Uncertain significance. Last evaluated: 2025-09-15. Review status: criteria provided, single submitter. Criteria: Ambry Variant Classification Scheme 2023. Collection method: clinical testing. Allele origin: germline.
Comment: The c.-5C>T variant is located in the 5' untranslated region (5&rsquo; UTR) of the RPS20 gene. This variant results from a C to T substitution 5 bases upstream from the first translated codon. This nucleotide position is highly conserved in available vertebrate species. Based on the available evidence, the clinical significance of this variant remains unclear.